The following is an entry in ClinVar:

ClinVar aggregate classification (germline): Uncertain significance (1 of 4 stars; one submission).

Conditions:
Myofibrillar myopathy 4. Also called: Zaspopathy (type). Identifiers: Orphanet 98912, MedGen C4721886, MONDO:0012277, OMIM 609452.

Submission:

Labcorp Genetics (formerly Invitae), Labcorp
Classification: Uncertain significance for Myofibrillar myopathy 4. Last evaluated: 2022-12-15. Review status: criteria provided, single submitter. Criteria: Invitae Variant Classification Sherloc (09022015). Collection method: clinical testing. Allele origin: germline.
Comment: The LDB3 gene has multiple clinically relevant transcripts. This variant occurs in alternate transcript NM_007078.3, and corresponds to NM_001080116.1:c.*7188A>G in the primary transcript. This sequence change replaces serine, which is neutral and polar, with glycine, which is neutral and non-polar, at codon 310 of the LDB3 protein (p.Ser310Gly). This variant is not present in population databases (gnomAD no frequency). This variant has not been reported in the literature in individuals affected with LDB3-related conditions. Experimental studies and prediction algorithms are not available or were not evaluated, and the functional significance of this variant is currently unknown. In summary, the available evidence is currently insufficient to determine the role of this variant in disease. Therefore, it has been classified as a Variant of Uncertain Significance.

NM_007078.3(LDB3):c.928A>G (p.Ser310Gly)

Gene: LDB3 (LIM domain binding 3; plus strand). Cytogenetic location: 10q23.2.
Variant type: single nucleotide variant.
Coding change: c.928A>G on transcript NM_007078.3 (MANE Select); coding-DNA position 928, A replaced by G.
Protein change: p.Ser310Gly; replaces serine 310 with glycine.
Molecular consequence: missense variant. On other transcripts: intron variant (4).
Genome position (GRCh38, 1-based): chr10:86,706,562, A>G. VCF-style: chr10-86706562-A-G. GRCh37 (hg19) VCF-style: chr10-88466319-A-G.
Other names: c.787A>G, p.Ser263Gly (NM_001368066.1); c.897-3343A>G (NM_001368064.1, NM_001368065.1); c.1101-3343A>G (NM_001171610.2); c.756-3343A>G (NM_001080114.2); short protein forms S263G, S310G.
Identifiers: ClinVar variation 2821167 (VCV002821167.3), dbSNP rs1846451474, ClinGen allele CA377446546.
Genomic context (GRCh38, chr10:86,706,562, plus strand): 5'-CTGTTGTCTTTTTGGTCCCGCCTCATCAGCACCCCTATTGAGCATGCGCCGGTGTGCACC[A>G]GCCAGGCCACCACCCCGCTGCTGCCCGCTTCTGCCCAGCCACCTGCTGCTGCCTCTCCCA-3'
Protein context (NP_009009.1, residues 300-320): TPIEHAPVCT[Ser310Gly]QATTPLLPAS